The following is an entry in ClinVar:

ClinVar aggregate classification (germline): Uncertain significance (1 of 4 stars; one submission).

Conditions:
Arrhythmogenic right ventricular dysplasia 11. Also called: ARRHYTHMOGENIC RIGHT VENTRICULAR DYSPLASIA, FAMILIAL, 11; Arrhythmogenic Right Ventricular Dysplasia/Cardiomyopathy11; Arrhythmogenic right ventricular dysplasia 11 with mild palmoplantar keratoderma and woolly hair. Identifiers: MedGen C1864850, MONDO:0012506, OMIM 610476.

Submission:

Labcorp Genetics (formerly Invitae), Labcorp
Classification: Uncertain significance for Arrhythmogenic right ventricular dysplasia 11. Last evaluated: 2024-12-19. Review status: criteria provided, single submitter. Criteria: Invitae Variant Classification Sherloc (09022015). Collection method: clinical testing. Allele origin: germline.
Comment: This sequence change replaces methionine, which is neutral and non-polar, with isoleucine, which is neutral and non-polar, at codon 431 of the DSC2 protein (p.Met431Ile). This variant is not present in population databases (gnomAD no frequency). This variant has not been reported in the literature in individuals affected with DSC2-related conditions. Invitae Evidence Modeling of protein sequence and biophysical properties (such as structural, functional, and spatial information, amino acid conservation, physicochemical variation, residue mobility, and thermodynamic stability) indicates that this missense variant is not expected to disrupt DSC2 protein function with a negative predictive value of 80%. In summary, the available evidence is currently insufficient to determine the role of this variant in disease. Therefore, it has been classified as a Variant of Uncertain Significance.

NM_024422.6(DSC2):c.1293G>A (p.Met431Ile)

Gene: DSC2 (desmocollin 2; minus strand). Cytogenetic location: 18q12.1.
Variant type: single nucleotide variant.
Coding change: c.1293G>A on transcript NM_024422.6 (MANE Select); coding-DNA position 1293, G replaced by A.
Protein change: p.Met431Ile; replaces methionine 431 with isoleucine.
Molecular consequence: missense variant.
Genome position (GRCh38, 1-based): chr18:31,080,323, C>T on the plus strand (G>A on the coding strand, the complement: DSC2 is on the minus strand). VCF-style: chr18-31080323-C-T. GRCh37 (hg19) VCF-style: chr18-28660289-C-T.
Other names: c.864G>A, p.Met288Ile (NM_001406506.1, NM_001406507.1); c.1293G>A, p.Met431Ile (NM_004949.5); short protein forms M431I, M288I.
Identifiers: ClinVar variation 3686628 (VCV003686628.2).